The following is an entry in ClinVar:

ClinVar aggregate classification (germline): Pathogenic. Review status: reviewed by expert panel (3 of 4 stars). 31 submissions from 29 submitters: Pathogenic (1). 30 of the submissions do not count toward it. Last evaluated 2026-07-20.

Conditions:
Autosomal recessive CEP290-related disorders.
CEP290-related ciliopathy. Also called: CEP290 ciliopathy. Identifiers: MedGen CN305601, MONDO:0100451.
Joubert syndrome. Also called: JOUBERT-BOLTSHAUSER SYNDROME; Familial aplasia of the vermis. Identifiers: Orphanet 475, MedGen C5979921, MONDO:0018772.
Meckel-Gruber syndrome. Also called: GRUBER SYNDROME; DYSENCEPHALIA SPLANCHNOCYSTICA; Dysencephalia splachnocystica. Identifiers: Orphanet 564, MedGen C0265215, MONDO:0018921.
Nephronophthisis. Also called: Juvenile Nephronophthisis. Identifiers: Orphanet 655, MedGen C0687120, MONDO:0019005, HP:0000090.
CEP290-related disorder. Also called: CEP290-related condition; CEP290-related disorders. Identifiers: MedGen CN239314.
Retinal dystrophy. Also called: Inherited retinal dystrophy. Identifiers: Orphanet 71862, MedGen C0854723, MeSH D058499, MONDO:0019118, HP:0000556.
Senior-Loken syndrome 6 (SLSN6). Identifiers: Orphanet 3156, MedGen C1857779, MONDO:0012433, OMIM 610189.
Bardet-Biedl syndrome 14 (BBS14). Identifiers: Orphanet 110, MedGen C2673874, MONDO:0014442, OMIM 615991.
Joubert syndrome 5 (JBTS5). Identifiers: Orphanet 2318, MedGen C1857780, MONDO:0012432, OMIM 610188.
Leber congenital amaurosis 10 (LCA10). Identifiers: Orphanet 65, MedGen C1857821, MONDO:0012723, OMIM 611755.
Meckel syndrome, type 4 (MKS4). Also called: MECKEL-GRUBER SYNDROME, TYPE 4. Identifiers: Orphanet 564, MedGen C1970161, MONDO:0012626, OMIM 611134.
Joubert syndrome 1 (JBTS1). Also called: CEREBELLOPARENCHYMAL DISORDER IV; Cerebellooculorenal syndrome 1. Identifiers: MedGen C4551568, MONDO:0008944, OMIM 213300.
Leber congenital amaurosis (LCA). Also called: Leber's amaurosis. Identifiers: Orphanet 65, MedGen C0339527, MeSH D057130, MONDO:0018998.
Retinitis pigmentosa (RP). Identifiers: Orphanet 791, MedGen C0035334, MeSH D012174, MONDO:0019200, OMIM 268000. Inheritance: Autosomal dominant, autosomal recessive and X linked inheritance.
Retinal disorder. Also called: Retinal disorders; Retinopathy; Retinopathies; Retinal Diseases. Identifiers: MedGen C0035309, MONDO:0005283, HP:0000488.
Intellectual disability. Also called: Intellectual functioning disability; intellectual disabilities; Intellectual developmental disorder. Identifiers: MedGen C3714756, MeSH D008607, MONDO:0001071, HP:0001249.

Allele frequency attached by ClinVar (database versions not stated): gnomAD 0.00029 and 0.00028; TOPMed 0.00029.

Submissions 1 to 6 of 31:

ClinGen Leber Congenital Amaurosis/early Onset Retinal Dystrophy Variant Curation Expert Panel, ClinGen
Classification: Pathogenic for CEP290-related ciliopathy. Last evaluated: 2026-07-20. Review status: reviewed by expert panel. Criteria: ClinGen LCAeoRD ACMG Specifications CEP290 V1.0.0. Collection method: curation. Allele origin: germline. Inheritance: Autosomal recessive inheritance.
Comment: NM_025114.4(CEP290):c.2991+1655A>G is an intron 26 variant. The splicing impact predictor SpliceAI gives a score of 0.15 for donor gain, which is below the ClinGen LCA/eoRD VCEP recommended threshold of ≥0.2 and does not strongly predict an impact on splicing. However, reverse transcription of mRNA from affected patients harboring the variant yielded aberrant PCR products that showed splicing of a cryptic exon between exons 26 and 27, resulting in the introduction of a premature stop codon downstream of exon 26 (PMID: 16909394, PS3_Supporting). A small amount of transcript of normal size was also produced. This variant is present in gnomAD v.4.1.0 at a total allele frequency of 0.0002699, with 41 alleles / 151,912 total alleles, which is lower than the ClinGen LCA/eoRD VCEP PM2_Supporting threshold of <0.0006 (PM2_Supporting). This variant has been reported in at least 2 apparently unrelated probands with early-onset severe retinal dystrophy who were homozygous for the variant (1 point, PMID: 16909394). This variant has also been reported in at least 1 proband with early-onset severe retinal dystrophy who was compound heterozygous with the NM_025114.4(CEP290):c.4115_4116del (p.Ile1372fs) variant confirmed in trans (1 point, PMID: 16909394), which was previously classified pathogenic by the ClinGen LCA/eoRD VCEP (2 total points, PM3_Strong). The variant has been reported to segregate with childhood-onset severe retinal dystrophy in two apparently unrelated families, through the proband plus either 2 or 3 similarly affected relatives, with the variant present in the homozygous state (PP1_Strong; PMID: 16909394). At least one proband harboring this variant exhibits a phenotype including diagnosis of Leber congenital amaurosis (0.5 pts), severely reduced visual acuity (0.5 pts), defects in dark-adapted full-field stimulus test results, and durable improvement of these features in the treated eye vs. the untreated eye following administration of an antisense oligonucleotide designed to block the incorporation of the cryptic exon by the variant (8 pts). Together, these clinical features are sufficiently specific for CEP290-related retinopathy to meet the PP4_Mod code (total 8.5 points, PMID: 30559420). In summary, this variant meets the criteria to be classified as Pathogenic for CEP290-related ciliopathy based on the ACMG/AMP criteria applied, as specified by the ClinGen LCA/eoRD VCEP: PM2_Supporting, PS3_Supporting, PM3_Strong, PP4_Mod, and PP1_Strong. (LCA/eoRD VCEP Specifications for CEP290 Version 1.0.0)

CeGaT Center for Human Genetics Tuebingen
Classification: Pathogenic. Last evaluated: 2026-09-01. Review status: criteria provided, single submitter. Criteria: CeGaT Center For Human Genetics Tuebingen Variant Classification Criteria Version 2. Collection method: clinical testing. Allele origin: germline. Affected: yes. Observed: 10 variant alleles. Not counted in ClinVar's aggregate classification.
Comment: CEP290: PM3:Very Strong, PVS1, PP1:Strong, PM2

PreventionGenetics, part of Exact Sciences
Classification: Pathogenic for CEP290-related condition. Last evaluated: 2026-06-20. Review status: criteria provided, single submitter. Criteria: ACMG Guidelines, 2015. Collection method: clinical testing. Allele origin: germline. Not counted in ClinVar's aggregate classification.
Comment: The CEP290 c.2991+1655A>G variant is predicted to interfere with splicing. This deep intronic variant (also referred to as IVS26+1655A>G) has been reported to create a strong splice-donor site and insert a cryptic exon in the CEP290 transcript (den Hollander et al. 2006. PubMed ID: 16909394). This variant has been reported, in the homozygous or compound heterozygous state along with a second CEP290 variant, in 16 of 76 unrelated patients with autosomal recessive Leber congenital amaurosis (den Hollander et al. 2006. PubMed ID: 16909394). This variant has been classified as pathogenic by multiple independent submitters to the ClinVar database (Variation ID: 1337). Given the evidence, we interpret c.2991+1655A>G as pathogenic.

Labcorp Genetics (formerly Invitae), Labcorp
Classification: Pathogenic for Joubert syndrome; Meckel-Gruber syndrome; Nephronophthisis. Last evaluated: 2026-01-29. Review status: criteria provided, single submitter. Criteria: Invitae Variant Classification Sherloc (09022015). Collection method: clinical testing. Allele origin: germline. Not counted in ClinVar's aggregate classification.
Comment: This sequence change falls in intron 26 of the CEP290 gene. It does not directly change the encoded amino acid sequence of the CEP290 protein. RNA analysis indicates that this variant induces altered splicing and may result in an absent or altered protein product. This variant is present in population databases (rs281865192, gnomAD 0.02%). This variant has been observed in individual(s) with Leber congenital amaurosis (PMID: 16909394, 17345604, 17964524). In at least one individual the data is consistent with being in trans (on the opposite chromosome) from a pathogenic variant. This variant is also known as IVS26+1655A>G and p.Cys998X. ClinVar contains an entry for this variant (Variation ID: 1337). Studies have shown that this variant results in insertion of 128bp of intronic sequence between exons 26 and 27, and produces a non-functional protein and/or introduces a premature termination codon (PMID: 16909394, 23344081). For these reasons, this variant has been classified as Pathogenic.

Natera, Inc.
Classification: Pathogenic for Leber congenital amaurosis. Last evaluated: 2025-12-12. Review status: criteria provided, single submitter. Criteria: Natera Variant Classification Schema (03/2026). Collection method: clinical testing. Allele origin: germline. Not counted in ClinVar's aggregate classification.
Comment: The c.2991+1655A>G variant in CEP290 is an intronic variant located outside the canonical splice sites. This variant is rare in the general population with a frequency below the threshold expected for the associated phenotype(s). This variant has been observed in one or more individuals affected with the associated recessive disease, as either homozygous or compound heterozygous with a second variant (PMID: 17554762). Given the available evidence, this variant is classified as Pathogenic.

Variantyx, Inc.
Classification: Pathogenic for Autosomal recessive CEP290-related disorders. Last evaluated: 2025-11-03. Review status: criteria provided, single submitter. Criteria: Variantyx Assertion Criteria 2022. Collection method: clinical testing. Allele origin: germline. Inheritance: Autosomal recessive inheritance. Affected: no. Not counted in ClinVar's aggregate classification.
Comment: This is an intronic variant in the CEP290 gene (OMIM: 610142). Pathogenic variants in this gene have been associated with autosomal recessive CEP290-related disorders. This intronic variant is expected to result in loss of function, which is a known disease mechanism for CEP290 in hese disorders (PMID: 23344081, 16909394) (PVS1). This variant has been identified in the homozygous or compound heterozygous state in multiple individuals reported in the published literature (PMID: 16909394, 17345604) (PM3) and it has been observed to segregate with disease in at least five individuals from two families (PMID: 16909394) (PP1_Moderate). This variant has a 0.0559% maximum allele frequency in non-founder control populations (PM2). Algorithms that predict the potential impact of sequence variants on RNA splicing suggest that this variant has conflicting evidence regarding the effect on splicing. Based on the current evidence, this variant is classified as pathogenic for autosomal recessive CEP290-related disorders.

NM_025114.4(CEP290):c.2991+1655A>G

Gene: CEP290 (centrosomal protein 290; minus strand). Cytogenetic location: 12q21.32.
Variant type: single nucleotide variant.
Coding change: c.2991+1655A>G on transcript NM_025114.4 (MANE Select); 1655 bases into the intron after coding-DNA position 2991, A replaced by G.
Molecular consequence: intron variant.
Genome position (GRCh38, 1-based): chr12:88,101,183, T>C on the plus strand (A>G on the coding strand, the complement: CEP290 is on the minus strand). VCF-style: chr12-88101183-T-C. GRCh37 (hg19) VCF-style: chr12-88494960-T-C.
Other names: 2991+1655A-G; c.2991+1655A>G.
Identifiers: ClinVar variation 1337 (VCV000001337.84), dbSNP rs281865192, ClinGen allele CA227965.